The following is an entry in ClinVar:

NM_133433.4(NIPBL):c.6189A>T (p.Glu2063Asp)

Gene: NIPBL (NIPBL cohesin loading factor; plus strand). Cytogenetic location: 5p13.2.
Variant type: single nucleotide variant.
Coding change: c.6189A>T on transcript NM_133433.4 (MANE Select); coding-DNA position 6189, A replaced by T.
Protein change: p.Glu2063Asp; replaces glutamic acid 2063 with aspartic acid.
Molecular consequence: missense variant.
Genome position (GRCh38, 1-based): chr5:37,044,427, A>T. VCF-style: chr5-37044427-A-T. GRCh37 (hg19) VCF-style: chr5-37044529-A-T.
Other names: c.6189A>T, p.Glu2063Asp (NM_015384.5); short protein forms E2063D.
Identifiers: ClinVar variation 1516711 (VCV001516711.7), dbSNP rs773286952, ClinGen allele CA3236944.

ClinVar aggregate classification (germline): Uncertain significance. Review status: criteria provided, multiple submitters, no conflicts (2 of 4 stars). 2 submissions from 2 submitters: Uncertain significance (2). Last evaluated 2022-01-10.

Conditions:
Cornelia de Lange syndrome 1 (CDLS1). Also called: Brachmann de Lange syndrome; NIPBL-Related Cornelia de Lange Syndrome; TYPUS DEGENERATIVUS AMSTELODAMENSIS. Identifiers: Orphanet 199, MedGen C4551851, MONDO:0007387, OMIM 122470.

Allele frequency attached by ClinVar (database versions not stated): TOPMed below 0.00001; ExAC 0.00001; gnomAD exomes 0.00001.
gnomAD v4.1: 4 of 1,614,010 alleles (0.00025%); highest among the groups gnomAD compares: Admixed American, 0.0017%; no homozygotes.

Submissions (2):

Blueprint Genetics
Classification: Uncertain significance. Last evaluated: 2022-01-10. Review status: criteria provided, single submitter. Criteria: ACMG Guidelines, 2015. Collection method: clinical testing. Allele origin: germline.

Labcorp Genetics (formerly Invitae), Labcorp
Classification: Uncertain significance for Cornelia de Lange syndrome 1. Last evaluated: 2021-09-04. Review status: criteria provided, single submitter. Criteria: Invitae Variant Classification Sherloc (09022015). Collection method: clinical testing. Allele origin: germline.
Comment: This sequence change replaces glutamic acid with aspartic acid at codon 2063 of the NIPBL protein (p.Glu2063Asp). The glutamic acid residue is moderately conserved and there is a small physicochemical difference between glutamic acid and aspartic acid. This variant is present in population databases (rs773286952, ExAC 0.001%). This variant has not been reported in the literature in individuals affected with NIPBL-related conditions. Algorithms developed to predict the effect of missense changes on protein structure and function are either unavailable or do not agree on the potential impact of this missense change (SIFT: "Deleterious"; PolyPhen-2: "Benign"; Align-GVGD: "Class C0"). In summary, the available evidence is currently insufficient to determine the role of this variant in disease. Therefore, it has been classified as a Variant of Uncertain Significance.